The following is an entry in ClinVar:

ClinVar aggregate classification (germline): Uncertain significance (1 of 4 stars; one submission).

gnomAD v4.1: 18 of 1,613,942 alleles (0.0011%); highest among the groups gnomAD compares: South Asian, 0.018%; no homozygotes.

Submission:

Labcorp Genetics (formerly Invitae), Labcorp
Classification: Uncertain significance. Last evaluated: 2024-08-13. Review status: criteria provided, single submitter. Criteria: Invitae Variant Classification Sherloc (09022015). Collection method: clinical testing. Allele origin: germline.
Comment: This sequence change replaces glycine, which is neutral and non-polar, with aspartic acid, which is acidic and polar, at codon 1893 of the RP1 protein (p.Gly1893Asp). This variant is present in population databases (rs755363836, gnomAD 0.01%). This variant has not been reported in the literature in individuals affected with RP1-related conditions. An algorithm developed to predict the effect of missense changes on protein structure and function outputs the following: PolyPhen-2: "Benign". The aspartic acid amino acid residue is found in multiple mammalian species, which suggests that this missense change does not adversely affect protein function. In summary, the available evidence is currently insufficient to determine the role of this variant in disease. Therefore, it has been classified as a Variant of Uncertain Significance.

NM_006269.2(RP1):c.5678G>A (p.Gly1893Asp)

Genes: RP1 (RP1 axonemal microtubule associated; plus strand), LOC126860392 (CDK7 strongly-dependent group 2 enhancer GRCh37_chr8:55541319-55542518; plus strand). Cytogenetic location: 8q12.1.
Variant type: single nucleotide variant.
Coding change: c.5678G>A on transcript NM_006269.2 (MANE Select); coding-DNA position 5678, G replaced by A.
Protein change: p.Gly1893Asp; replaces glycine 1893 with aspartic acid.
Molecular consequence: missense variant. On other transcripts: intron variant (1).
Genome position (GRCh38, 1-based): chr8:54,629,560, G>A. VCF-style: chr8-54629560-G-A. GRCh37 (hg19) VCF-style: chr8-55542120-G-A.
Other names: c.787+7272G>A (NM_001375654.1); short protein forms G1893D.
Identifiers: ClinVar variation 3627841 (VCV003627841.2).